The following is an entry in ClinVar:

ClinVar aggregate classification (germline): Benign. Review status: criteria provided, multiple submitters, no conflicts (2 of 4 stars). 8 submissions from 8 submitters: Benign (8). Last evaluated 2026-09-21.

Conditions:
Frontometaphyseal dysplasia (FMD1). Identifiers: Orphanet 1826, MedGen C0265293, MONDO:0015942.
Heterotopia, periventricular, X-linked dominant (PVNH1). Also called: X-linked periventricular heterotopia; PERIVENTRICULAR NODULAR HETEROTOPIA 1; PERIVENTRICULAR NODULAR HETEROTOPIA 4; HETEROTOPIA, PERIVENTRICULAR, 1. Identifiers: Orphanet 2149, Orphanet 82004, MedGen C1848213, MONDO:0010233, OMIM 300049.
Oto-palato-digital syndrome, type II (OPD2). Also called: FACIOPALATOOSSEOUS SYNDROME; OPD II SYNDROME; Otopalatodigital Syndrome Type 2 (FLNA-OPD2); Otopalatodigital Syndrome, Type II. Identifiers: Orphanet 669, Orphanet 90652, MedGen C1844696, MONDO:0010571, OMIM 304120.
Melnick-Needles syndrome (MNS). Also called: MELNICK-NEEDLES OSTEODYSPLASTY; OSTEODYSPLASTY OF MELNICK AND NEEDLES; Melnick-Needles Syndrome (FLNA-MNS). Identifiers: Orphanet 2484, MedGen C0025237, MONDO:0010650, OMIM 309350.
Familial thoracic aortic aneurysm and aortic dissection (TAAD). Also called: Thoracic aortic aneurysms and dissections. Identifiers: Orphanet 91387, MedGen C4707243, MONDO:0019625.

Allele frequency attached by ClinVar (database versions not stated): 1000 Genomes Project 0.01113; 1000 Genomes Project 30x 0.01124; gnomAD 0.01244 and 0.01349; gnomAD exomes 0.00135 and 0.00341; ESP Exome Variant Server 0.01350; ExAC 0.00429; TOPMed 0.01370.

Submissions (8):

Molecular Diagnostic Laboratory for Inherited Cardiovascular Disease, Montreal Heart Institute
Classification: Benign. Last evaluated: 2026-09-21. Review status: criteria provided, single submitter. Criteria: ACMG Guidelines, 2015. Collection method: clinical testing. Allele origin: germline. Affected: no.
Comment: BS1;BP7

Labcorp Genetics (formerly Invitae), Labcorp
Classification: Benign for Oto-palato-digital syndrome, type II; Heterotopia, periventricular, X-linked dominant; Frontometaphyseal dysplasia; Melnick-Needles syndrome. Last evaluated: 2026-02-02. Review status: criteria provided, single submitter. Criteria: Invitae Variant Classification Sherloc (09022015). Collection method: clinical testing. Allele origin: germline.

ARUP Laboratories, Molecular Genetics and Genomics, ARUP Laboratories
Classification: Benign. Last evaluated: 2025-03-13. Review status: criteria provided, single submitter. Criteria: ARUP Molecular Germline Variant Investigation Process 2024. Collection method: clinical testing. Allele origin: germline.

Mayo Clinic Laboratories, Mayo Clinic
Classification: Benign. Last evaluated: 2023-11-14. Review status: criteria provided, single submitter. Criteria: ACMG Guidelines, 2015. Collection method: clinical testing. Allele origin: germline. Observed: 27 variant alleles.
Comment: BS1, BS2, BP4, BP6, BP7

Women's Health and Genetics/Laboratory Corporation of America, LabCorp
Classification: Benign. Last evaluated: 2023-07-21. Review status: criteria provided, single submitter. Criteria: LabCorp Variant Classification Summary - May 2015. Collection method: clinical testing. Allele origin: germline.

Ambry Genetics
Classification: Benign for Familial thoracic aortic aneurysm and aortic dissection. Last evaluated: 2015-02-03. Review status: criteria provided, single submitter. Criteria: Ambry Variant Classification Scheme 2023. Collection method: clinical testing. Allele origin: germline.

GeneDx
Classification: Benign. Last evaluated: 2014-06-16. Review status: criteria provided, single submitter. Criteria: GeneDx Variant Classification (06012015). Collection method: clinical testing. Allele origin: germline. Affected: yes.
Comment: This variant is considered likely benign or benign based on one or more of the following criteria: it is a conservative change, it occurs at a poorly conserved position in the protein, it is predicted to be benign by multiple in silico algorithms, and/or has population frequency not consistent with disease.

Genetic Services Laboratory, University of Chicago
Classification: Benign for AllHighlyPenetrant. Last evaluated: 2013-07-08. Review status: criteria provided, single submitter. Criteria: ACMG Guidelines, 2007. Collection method: clinical testing. Allele origin: germline. Inheritance: X-linked inheritance.

NM_001110556.2(FLNA):c.7434G>A (p.Glu2478=)

Gene: FLNA (filamin A; minus strand). Cytogenetic location: Xq28.
Variant type: single nucleotide variant.
Coding change: c.7434G>A on transcript NM_001110556.2 (MANE Select); coding-DNA position 7434, G replaced by A.
Protein change: p.Glu2478=; no amino-acid change (glutamic acid 2478 retained).
Molecular consequence: synonymous variant.
Genome position (GRCh38, 1-based): chrX:154,349,767, C>T on the plus strand (G>A on the coding strand, the complement: FLNA is on the minus strand). VCF-style: chrX-154349767-C-T. GRCh37 (hg19) VCF-style: chrX-153578135-C-T.
Other names: p.E2470E:GAG>GAA; p.Glu2470=; c.7410G>A, p.Glu2470= (NM_001456.4).
Identifiers: ClinVar variation 129077 (VCV000129077.33), dbSNP rs74667788, ClinGen allele CA288877.